The following is an entry in ClinVar:

ClinVar aggregate classification (germline): Pathogenic/Likely pathogenic. Review status: criteria provided, multiple submitters, no conflicts (2 of 4 stars). 3 submissions from 3 submitters: Pathogenic (1); Likely pathogenic (2). Last evaluated 2025-11-11.

Conditions:
Amyotrophic lateral sclerosis type 5 (ALS5). Also called: AMYOTROPHIC LATERAL SCLEROSIS 5, JUVENILE. Identifiers: Orphanet 300605, MedGen C1865864, MONDO:0011196, OMIM 602099.
Charcot-Marie-Tooth disease axonal type 2X. Also called: CHARCOT-MARIE-TOOTH DISEASE, AXONAL, AUTOSOMAL RECESSIVE, TYPE 2X; CHARCOT-MARIE-TOOTH NEUROPATHY, TYPE 2X. Identifiers: Orphanet 466775, MedGen C5569024, MONDO:0014726, OMIM 616668.
Hereditary spastic paraplegia 11. Also called: Spastic paraplegia, mental retardation and thin corpus callosum; SPASTIC PARAPLEGIA, AUTOSOMAL RECESSIVE, COMPLICATED, WITH THIN CORPUS CALLOSUM; SPASTIC PARAPLEGIA, AUTOSOMAL RECESSIVE, WITH MENTAL IMPAIRMENT AND THIN CORPUS CALLOSUM; Spastic Paraplegia 11; Nakamura Osame syndrome; Autosomal recessive hereditary spastic paraplegia, mental impairment, and thin corpus callosum. Identifiers: Orphanet 2822, MedGen C1858479, MONDO:0011445, OMIM 604360.

Allele frequency attached by ClinVar (database versions not stated): TOPMed below 0.00001.

Submissions (3):

Labcorp Genetics (formerly Invitae), Labcorp
Classification: Likely pathogenic for Hereditary spastic paraplegia 11. Last evaluated: 2025-11-11. Review status: criteria provided, single submitter. Criteria: Invitae Variant Classification Sherloc (09022015). Collection method: clinical testing. Allele origin: germline.
Comment: This sequence change affects codon 2068 of the SPG11 mRNA. It is a 'silent' change, meaning that it does not change the encoded amino acid sequence of the SPG11 protein. It affects a nucleotide within the consensus splice site. This variant is not present in population databases (gnomAD no frequency). This variant has been observed in individual(s) with clinical features of hereditary spastic paraplegia (PMID: 28991695, 34740920; internal data). In at least one individual the data is consistent with being in trans (on the opposite chromosome) from a pathogenic variant. ClinVar contains an entry for this variant (Variation ID: 1805308). Algorithms developed to predict the effect of sequence changes on RNA splicing suggest that this variant may disrupt the consensus splice site. In summary, the currently available evidence indicates that the variant is pathogenic, but additional data are needed to prove that conclusively. Therefore, this variant has been classified as Likely Pathogenic.

Fulgent Genetics
Classification: Likely pathogenic for Amyotrophic lateral sclerosis type 5; Hereditary spastic paraplegia 11; Charcot-Marie-Tooth disease axonal type 2X. Last evaluated: 2024-04-19. Review status: criteria provided, single submitter. Criteria: ACMG Guidelines, 2015. Collection method: clinical testing. Allele origin: germline.

Victorian Clinical Genetics Services, Murdoch Childrens Research Institute
Classification: Pathogenic for Hereditary spastic paraplegia 11. Last evaluated: 2020-06-11. Review status: criteria provided, single submitter. Criteria: ACMG Guidelines, 2015. Collection method: clinical testing. Allele origin: germline. Inheritance: Autosomal recessive inheritance.
Comment: Based on the classification scheme VCGS_Germline_v1.1.1, this variant is classified as Pathogenic. Following criteria are met: 0102 - Loss-of-function is a known mechanism of disease for this gene. (N) 0106 - This gene is known to be associated with autosomal recessive disease. (N) 0210 - Splice site variant (non-canonical) proven to affect splicing of the transcript with a known effect on protein structure (exon 32 of 40). RNA analysis showed that it causes loss of 37 bp leading to a premature stop codon and resulting in p.(Val2057Aspfs*18) (PMID: 28991695). (P) 0251 - Variant is heterozygous. (N) 0301 - Variant is absent from gnomAD. (P) 0508 - In silico predictions for abnormal splicing are conflicting. (N) 0701 - Comparable variants have very strong previous evidence for pathogenicity. Other variants predicted to cause NMD have been reported as pathogenic (ClinVar, Decipher). (P) 0803 - Low previous evidence of pathogenicity in unrelated individuals. The variant has been previously reported in compound heterozygous monozygotic twins with hereditary spastic paraplegia with thinning of the corpus callosum (ARHSP-TCC) (PMID: 28991695). (P) 0905 - No segregation evidence has been identified for this variant. (N) 1102 - Strong phenotype match. (P) 1007 - No published functional evidence has been identified for this variant. (N) Legend: (P) - Pathogenic, (N) - Neutral, (B) - Benign

Literature cited by the submitters: PubMed 28991695 (cited by Labcorp Genetics (formerly Invitae), Labcorp and Victorian Clinical Genetics Services, Murdoch Childrens Research Institute); PubMed 34740920 (cited by Labcorp Genetics (formerly Invitae), Labcorp).

NM_025137.4(SPG11):c.6204A>G (p.Thr2068=)

Gene: SPG11 (SPG11 vesicle trafficking associated, spatacsin; minus strand). Cytogenetic location: 15q21.1.
Variant type: single nucleotide variant.
Coding change: c.6204A>G on transcript NM_025137.4 (MANE Select); coding-DNA position 6204, A replaced by G.
Protein change: p.Thr2068=; no amino-acid change (threonine 2068 retained).
Molecular consequence: synonymous variant. On other transcripts: intron variant (1).
Genome position (GRCh38, 1-based): chr15:44,573,548, T>C on the plus strand (A>G on the coding strand, the complement: SPG11 is on the minus strand). VCF-style: chr15-44573548-T-C. GRCh37 (hg19) VCF-style: chr15-44865746-T-C.
Other names: c.6060A>G, p.Thr2020= (NM_001411132.1); c.5867-728A>G (NM_001160227.2).
Identifiers: ClinVar variation 1805308 (VCV001805308.3), dbSNP rs2082470151, ClinGen allele CA490329305.